The following is an entry in ClinVar:

NM_015374.3(SUN2):c.218C>T (p.Ser73Leu)

Gene: SUN2 (Sad1 and UNC84 domain containing 2; minus strand). Cytogenetic location: 22q13.1.
Variant type: single nucleotide variant.
Coding change: c.218C>T on transcript NM_015374.3 (MANE Select); coding-DNA position 218, C replaced by T.
Protein change: p.Ser73Leu; replaces serine 73 with leucine.
Molecular consequence: missense variant. On other transcripts: intron variant (1).
Genome position (GRCh38, 1-based): chr22:38,751,278, G>A on the plus strand (C>T on the coding strand, the complement: SUN2 is on the minus strand). VCF-style: chr22-38751278-G-A. GRCh37 (hg19) VCF-style: chr22-39147283-G-A.
Other names: c.218C>T (NM_015374.2); c.218C>T, p.Ser73Leu (NM_001199579.2, NM_001199580.2, NM_001394427.1 and 16 more transcripts); c.128C>T, p.Ser43Leu (NM_001394438.1); c.122+1229C>T (NM_001394443.1); short protein forms S43L, S73L.
Identifiers: ClinVar variation 2748429 (VCV002748429.4), dbSNP rs765101142, ClinGen allele CA10236057.

ClinVar aggregate classification (germline): Uncertain significance. Review status: criteria provided, multiple submitters, no conflicts (2 of 4 stars). 2 submissions from 2 submitters: Uncertain significance (2). Last evaluated 2025-12-21.

Conditions:
Emery-Dreifuss muscular dystrophy (EDMD). Also called: Scapuloperoneal syndrome, X-linked (formerly); Humeroperoneal neuromuscular disease, (formerly). Identifiers: Orphanet 261, MedGen C0410189, MONDO:0016830.

Allele frequency attached by ClinVar (database versions not stated): ExAC 0.00002; gnomAD 0.00002; gnomAD exomes 0.00003; TOPMed 0.00003.
gnomAD v4.1: 42 of 1,614,138 alleles (0.0026%); highest among the groups gnomAD compares: Admixed American, 0.017%; no homozygotes.

Submissions (2):

Labcorp Genetics (formerly Invitae), Labcorp
Classification: Uncertain significance for Emery-Dreifuss muscular dystrophy. Last evaluated: 2025-12-21. Review status: criteria provided, single submitter. Criteria: Invitae Variant Classification Sherloc (09022015). Collection method: clinical testing. Allele origin: germline.
Comment: This sequence change replaces serine, which is neutral and polar, with leucine, which is neutral and non-polar, at codon 73 of the SUN2 protein (p.Ser73Leu). This variant is present in population databases (rs765101142, gnomAD 0.02%). This variant has not been reported in the literature in individuals affected with SUN2-related conditions. ClinVar contains an entry for this variant (Variation ID: 2748429). An algorithm developed to predict the effect of missense changes on protein structure and function (PolyPhen-2) suggests that this variant is likely to be disruptive. In summary, the available evidence is currently insufficient to determine the role of this variant in disease. Therefore, it has been classified as a Variant of Uncertain Significance.

Ambry Genetics
Classification: Uncertain significance. Last evaluated: 2023-11-21. Review status: criteria provided, single submitter. Criteria: Ambry Variant Classification Scheme 2023. Collection method: clinical testing. Allele origin: germline.